The following is an entry in ClinVar:

ClinVar aggregate classification (germline): Likely benign. Review status: criteria provided, multiple submitters, no conflicts (2 of 4 stars). 2 submissions from 2 submitters: Likely benign (2). Last evaluated 2021-08-07.

Conditions:
Focal segmental glomerulosclerosis 5 (FSGS5). Identifiers: Orphanet 656, MedGen C2750475, MONDO:0013191, OMIM 613237.
Charcot-Marie-Tooth disease dominant intermediate E. Also called: CHARCOT-MARIE-TOOTH NEUROPATHY WITH FOCAL SEGMENTAL GLOMERULONEPHRITIS. Identifiers: Orphanet 93114, MedGen C4302667, MONDO:0013758, OMIM 614455.

Allele frequency attached by ClinVar (database versions not stated): gnomAD exomes below 0.00001.
gnomAD v4.1: 2 of 1,589,124 alleles (0.00013%); highest among the groups gnomAD compares: South Asian, 0.0022%; no homozygotes.

Submissions (2):

Labcorp Genetics (formerly Invitae), Labcorp
Classification: Likely benign for Charcot-Marie-Tooth disease dominant intermediate E; Focal segmental glomerulosclerosis 5. Last evaluated: 2021-08-07. Review status: criteria provided, single submitter. Criteria: Invitae Variant Classification Sherloc (09022015). Collection method: clinical testing. Allele origin: germline.

GeneDx
Classification: Likely benign. Last evaluated: 2017-03-01. Review status: criteria provided, single submitter. Criteria: GeneDx Variant Classification (06012015). Collection method: clinical testing. Allele origin: germline. Affected: yes.
Comment: This variant is considered likely benign or benign based on one or more of the following criteria: it is a conservative change, it occurs at a poorly conserved position in the protein, it is predicted to be benign by multiple in silico algorithms, and/or has population frequency not consistent with disease.

NM_022489.4(INF2):c.2052+12A>G

Gene: INF2 (inverted formin 2; plus strand). Cytogenetic location: 14q32.33.
Variant type: single nucleotide variant.
Coding change: c.2052+12A>G on transcript NM_022489.4 (MANE Select); 12 bases into the intron after coding-DNA position 2052, A replaced by G.
Molecular consequence: intron variant.
Genome position (GRCh38, 1-based): chr14:104,709,395, A>G. VCF-style: chr14-104709395-A-G. GRCh37 (hg19) VCF-style: chr14-105175732-A-G.
Other names: c.2052+12A>G (NM_001031714.4).
Identifiers: ClinVar variation 507681 (VCV000507681.8), dbSNP rs1342540362, ClinGen allele CA616584835.